The following is an entry in ClinVar:

ClinVar aggregate classification (germline): Likely benign. Review status: criteria provided, multiple submitters, no conflicts (2 of 4 stars). 2 submissions from 2 submitters: Likely benign (2). Last evaluated 2023-06-07.

Conditions:
Developmental and epileptic encephalopathy, 36 (DEE36). Also called: Epileptic encephalopathy, early infantile, 36; ALG13-CDG; Congenital disorder of glycosylation, type Is. Identifiers: Orphanet 324422, MedGen C4317295, MONDO:0010472, OMIM 300884.

Allele frequency attached by ClinVar (database versions not stated): gnomAD exomes 0.00001.
gnomAD v4.1: 5 of 1,183,479 alleles (0.00042%); highest among the groups gnomAD compares: Non-Finnish European, 0.00057%; no homozygotes.

Submissions (2):

Labcorp Genetics (formerly Invitae), Labcorp
Classification: Likely benign for Developmental and epileptic encephalopathy, 36. Last evaluated: 2023-06-07. Review status: criteria provided, single submitter. Criteria: Invitae Variant Classification Sherloc (09022015). Collection method: clinical testing. Allele origin: germline.

GeneDx
Classification: Likely benign. Last evaluated: 2016-03-25. Review status: criteria provided, single submitter. Criteria: GeneDx Variant Classification (06012015). Collection method: clinical testing. Allele origin: germline. Affected: yes.
Comment: This variant is considered likely benign or benign based on one or more of the following criteria: it is a conservative change, it occurs at a poorly conserved position in the protein, it is predicted to be benign by multiple in silico algorithms, and/or has population frequency not consistent with disease.

NM_001099922.3(ALG13):c.2695+15G>C

Gene: ALG13 (ALG13 UDP-N-acetylglucosaminyltransferase subunit; plus strand). Cytogenetic location: Xq23.
Variant type: single nucleotide variant.
Coding change: c.2695+15G>C on transcript NM_001099922.3 (MANE Select); 15 bases into the intron after coding-DNA position 2695, G replaced by C.
Molecular consequence: intron variant.
Genome position (GRCh38, 1-based): chrX:111,736,894, G>C. VCF-style: chrX-111736894-G-C. GRCh37 (hg19) VCF-style: chrX-110980122-G-C.
Other names: c.2383+15G>C (NM_001257237.2, NM_001257234.2, NM_001257230.2); c.2209+15G>C (NM_001324293.1); c.2461+15G>C (NM_001257231.2); c.2695+15G>C (NM_001324292.2).
Identifiers: ClinVar variation 384855 (VCV000384855.4), dbSNP rs1057522064, ClinGen allele CA16608682.
Genomic context (GRCh38, chrX:111,736,894, plus strand): 5'-GCTATACAGCCTCTCTTTGTATCTCCACCTACACACGGCAGGCCAGGTAGGTTATTAGCA[G>C]ATGCTTACTTTGGAAGCCTCTTTTCCTATTCATGAACATGCACATCCAGCTGTTCTGGTA-3'